The following is an entry in ClinVar:

ClinVar aggregate classification (germline): Uncertain significance (1 of 4 stars; one submission).

Conditions:
Early-infantile DEE. Also called: Ohtahara syndrome; Early infantile epileptic encephalopathy with suppression bursts; Early infantile epileptic encephalopathy. Identifiers: Orphanet 1934, MedGen C0393706, MONDO:0800491.

Submission:

Labcorp Genetics (formerly Invitae), Labcorp
Classification: Uncertain significance for Early-infantile DEE. Last evaluated: 2023-11-03. Review status: criteria provided, single submitter. Criteria: Invitae Variant Classification Sherloc (09022015). Collection method: clinical testing. Allele origin: germline.
Comment: This sequence change replaces tryptophan, which is neutral and slightly polar, with arginine, which is basic and polar, at codon 1106 of the SPTAN1 protein (p.Trp1106Arg). This variant is not present in population databases (gnomAD no frequency). This variant has not been reported in the literature in individuals affected with SPTAN1-related conditions. Advanced modeling of protein sequence and biophysical properties (such as structural, functional, and spatial information, amino acid conservation, physicochemical variation, residue mobility, and thermodynamic stability) has been performed at Invitae for this missense variant, however the output from this modeling did not meet the statistical confidence thresholds required to predict the impact of this variant on SPTAN1 protein function. In summary, the available evidence is currently insufficient to determine the role of this variant in disease. Therefore, it has been classified as a Variant of Uncertain Significance.

NM_001130438.3(SPTAN1):c.3316T>C (p.Trp1106Arg)

Gene: SPTAN1 (spectrin alpha, non-erythrocytic 1; plus strand). Cytogenetic location: 9q34.11.
Variant type: single nucleotide variant.
Coding change: c.3316T>C on transcript NM_001130438.3 (MANE Select); coding-DNA position 3316, T replaced by C.
Protein change: p.Trp1106Arg; replaces tryptophan 1106 with arginine.
Molecular consequence: missense variant.
Genome position (GRCh38, 1-based): chr9:128,594,275, T>C. VCF-style: chr9-128594275-T-C. GRCh37 (hg19) VCF-style: chr9-131356554-T-C.
Other names: c.3256T>C, p.Trp1086Arg (NM_001195532.2, NM_001363765.2, NM_001375314.2); c.3316T>C, p.Trp1106Arg (NM_001363759.2, NM_001375310.1, NM_001375311.2 and 2 more transcripts); c.3352T>C, p.Trp1118Arg (NM_001375312.2, NM_001375318.1); short protein forms W1086R, W1106R, W1118R.
Identifiers: ClinVar variation 2693000 (VCV002693000.3), dbSNP rs2541453141, ClinGen allele CA375061967.